The following is an entry in ClinVar:

NM_006206.6(PDGFRA):c.1817A>G (p.Lys606Arg)

Gene: PDGFRA (platelet derived growth factor receptor alpha; plus strand). Cytogenetic location: 4q12.
Variant type: single nucleotide variant.
Coding change: c.1817A>G on transcript NM_006206.6 (MANE Select); coding-DNA position 1817, A replaced by G.
Protein change: p.Lys606Arg; replaces lysine 606 with arginine.
Molecular consequence: missense variant.
Genome position (GRCh38, 1-based): chr4:54,277,418, A>G. VCF-style: chr4-54277418-A-G. GRCh37 (hg19) VCF-style: chr4-55143585-A-G.
Other names: c.1817A>G, p.Lys606Arg (NM_001347827.2, NM_001347829.2); c.1892A>G, p.Lys631Arg (NM_001347828.2); c.1856A>G, p.Lys619Arg (NM_001347830.2); short protein forms K606R, K619R, K631R.
Identifiers: ClinVar variation 1375237 (VCV001375237.8), dbSNP rs1723797886, ClinGen allele CA356893389.

ClinVar aggregate classification (germline): Uncertain significance. Review status: criteria provided, multiple submitters, no conflicts (2 of 4 stars). 2 submissions from 2 submitters: Uncertain significance (2). Last evaluated 2025-12-14.

Conditions:
Gastrointestinal stromal tumor. Also called: Gastrointestinal stroma tumor; Gastrointestinal stromal tumor, somatic. Identifiers: Orphanet 44890, MedGen C0238198, MeSH D046152, MONDO:0011719, OMIM 606764, HP:0100723.
Hereditary cancer-predisposing syndrome. Also called: Tumor predisposition; Hereditary Cancer Syndrome; Hereditary neoplastic syndrome; Neoplastic Syndromes, Hereditary. Identifiers: Orphanet 140162, MedGen C0027672, MeSH D009386, MONDO:0015356.

Allele frequency attached by ClinVar (database versions not stated): TOPMed below 0.00001; gnomAD 0.00001.
gnomAD v4.1: 1 of 1,613,960 alleles (0.000062%); highest among the groups gnomAD compares: Non-Finnish European, 0.000085%; no homozygotes.

Submissions (2):

Labcorp Genetics (formerly Invitae), Labcorp
Classification: Uncertain significance for Gastrointestinal stromal tumor. Last evaluated: 2025-12-14. Review status: criteria provided, single submitter. Criteria: Invitae Variant Classification Sherloc (09022015). Collection method: clinical testing. Allele origin: germline.
Comment: This sequence change replaces lysine, which is basic and polar, with arginine, which is basic and polar, at codon 606 of the PDGFRA protein (p.Lys606Arg). This variant is not present in population databases (gnomAD no frequency). This variant has not been reported in the literature in individuals affected with PDGFRA-related conditions. ClinVar contains an entry for this variant (Variation ID: 1375237). Invitae Evidence Modeling of protein sequence and biophysical properties (such as structural, functional, and spatial information, amino acid conservation, physicochemical variation, residue mobility, and thermodynamic stability) indicates that this missense variant is not expected to disrupt PDGFRA protein function with a negative predictive value of 80%. Algorithms developed to predict the effect of sequence changes on RNA splicing suggest that this variant may disrupt the consensus splice site. In summary, the available evidence is currently insufficient to determine the role of this variant in disease. Therefore, it has been classified as a Variant of Uncertain Significance.

Ambry Genetics
Classification: Uncertain significance for Hereditary cancer-predisposing syndrome. Last evaluated: 2022-07-12. Review status: criteria provided, single submitter. Criteria: Ambry Variant Classification Scheme 2023. Collection method: clinical testing. Allele origin: germline.
Comment: The p.K606R variant (also known as c.1817A>G), located in coding exon 12 of the PDGFRA gene, results from an A to G substitution at nucleotide position 1817. The lysine at codon 606 is replaced by arginine, an amino acid with highly similar properties. This amino acid position is conserved. In addition, this alteration is predicted to be deleterious by in silico analysis. Since supporting evidence is limited at this time, the clinical significance of this alteration remains unclear.